The following is an entry in ClinVar:

NM_005422.4(TECTA):c.4696G>A (p.Gly1566Ser)

Genes: TBCEL-TECTA (TBCEL-TECTA readthrough; plus strand), TECTA (tectorin alpha; plus strand). Cytogenetic location: 11q23.3.
Variant type: single nucleotide variant.
Coding change: c.4696G>A on transcript NM_005422.4 (MANE Select); coding-DNA position 4696, G replaced by A.
Protein change: p.Gly1566Ser; replaces glycine 1566 with serine.
Molecular consequence: missense variant.
Genome position (GRCh38, 1-based): chr11:121,160,141, G>A. VCF-style: chr11-121160141-G-A. GRCh37 (hg19) VCF-style: chr11-121030850-G-A.
Other names: c.5653G>A, p.Gly1885Ser (NM_001378761.1); short protein forms G1566S, G1885S.
Identifiers: ClinVar variation 4808032 (VCV004808032.1).

ClinVar aggregate classification (germline): Uncertain significance (1 of 4 stars; one submission).

gnomAD v4.1: 18 of 1,614,060 alleles (0.0011%); highest among the groups gnomAD compares: Non-Finnish European, 0.0014%; no homozygotes.

Submission:

Labcorp Genetics (formerly Invitae), Labcorp
Classification: Uncertain significance. Last evaluated: 2025-05-14. Review status: criteria provided, single submitter. Criteria: Invitae Variant Classification Sherloc (09022015). Collection method: clinical testing. Allele origin: germline.
Comment: This sequence change replaces glycine, which is neutral and non-polar, with serine, which is neutral and polar, at codon 1566 of the TECTA protein (p.Gly1566Ser). This variant is present in population databases (rs757144807, gnomAD 0.002%). This variant has not been reported in the literature in individuals affected with TECTA-related conditions. Invitae Evidence Modeling of protein sequence and biophysical properties (such as structural, functional, and spatial information, amino acid conservation, physicochemical variation, residue mobility, and thermodynamic stability) indicates that this missense variant is not expected to disrupt TECTA protein function with a negative predictive value of 95%. In summary, the available evidence is currently insufficient to determine the role of this variant in disease. Therefore, it has been classified as a Variant of Uncertain Significance.